The following is an entry in ClinVar:

NM_000264.5(PTCH1):c.3127T>G (p.Cys1043Gly)

Gene: PTCH1 (patched 1; minus strand). Cytogenetic location: 9q22.32.
Variant type: single nucleotide variant.
Coding change: c.3127T>G on transcript NM_000264.5 (MANE Select); coding-DNA position 3127, T replaced by G.
Protein change: p.Cys1043Gly; replaces cysteine 1043 with glycine.
Molecular consequence: missense variant. On other transcripts: non-coding transcript variant (1).
Genome position (GRCh38, 1-based): chr9:95,458,054, A>C on the plus strand (T>G on the coding strand, the complement: PTCH1 is on the minus strand). VCF-style: chr9-95458054-A-C. GRCh37 (hg19) VCF-style: chr9-98220336-A-C.
Other names: c.2929T>G, p.Cys977Gly (NM_001083602.3); c.3124T>G, p.Cys1042Gly (NM_001083603.3); c.2674T>G, p.Cys892Gly (NM_001083604.3, NM_001083605.3, NM_001083606.3 and 1 more transcripts); c.2971T>G, p.Cys991Gly (NM_001354918.2); short protein forms C892G, C991G, C1042G, C1043G, C977G.
Identifiers: ClinVar variation 2162057 (VCV002162057.4), dbSNP rs2538067148, ClinGen allele CA374112332.

ClinVar aggregate classification (germline): Uncertain significance (1 of 4 stars; one submission).

Conditions:
Gorlin syndrome. Also called: Basal cell nevus syndrome; Nevoid Basal Cell Carcinoma Syndrome. Identifiers: Orphanet 377, MedGen C0004779, MONDO:0007187.

Submission:

Labcorp Genetics (formerly Invitae), Labcorp
Classification: Uncertain significance for Gorlin syndrome. Last evaluated: 2022-04-05. Review status: criteria provided, single submitter. Criteria: Invitae Variant Classification Sherloc (09022015). Collection method: clinical testing. Allele origin: germline.
Comment: In summary, the available evidence is currently insufficient to determine the role of this variant in disease. Therefore, it has been classified as a Variant of Uncertain Significance. Algorithms developed to predict the effect of missense changes on protein structure and function are either unavailable or do not agree on the potential impact of this missense change (SIFT: "Deleterious"; PolyPhen-2: "Probably Damaging"; Align-GVGD: "Class C0"). This variant has not been reported in the literature in individuals affected with PTCH1-related conditions. This variant is not present in population databases (gnomAD no frequency). This sequence change replaces cysteine, which is neutral and slightly polar, with glycine, which is neutral and non-polar, at codon 1043 of the PTCH1 protein (p.Cys1043Gly).